The following is an entry in ClinVar:

ClinVar aggregate classification (germline): Uncertain significance (1 of 4 stars; one submission).

Conditions:
Familial cold autoinflammatory syndrome 3 (FCAS3). Also called: ANTIBODY DEFICIENCY AND IMMUNE DYSREGULATION, PLCG2-ASSOCIATED; FAMILIAL ATYPICAL COLD URTICARIA. Identifiers: Orphanet 300359, MedGen C3280914, MONDO:0013766, OMIM 614468.

Allele frequency attached by ClinVar (database versions not stated): ExAC 0.00001; gnomAD 0.00001; gnomAD exomes 0.00001; TOPMed 0.00001.
gnomAD v4.1: 6 of 1,614,088 alleles (0.00037%); highest among the groups gnomAD compares: Admixed American, 0.0017%; no homozygotes.

Submission:

Labcorp Genetics (formerly Invitae), Labcorp
Classification: Uncertain significance for Familial cold autoinflammatory syndrome 3. Last evaluated: 2022-01-28. Review status: criteria provided, single submitter. Criteria: Invitae Variant Classification Sherloc (09022015). Collection method: clinical testing. Allele origin: germline.
Comment: This sequence change replaces glutamine, which is neutral and polar, with histidine, which is basic and polar, at codon 51 of the PLCG2 protein (p.Gln51His). In summary, the available evidence is currently insufficient to determine the role of this variant in disease. Therefore, it has been classified as a Variant of Uncertain Significance. Algorithms developed to predict the effect of missense changes on protein structure and function are either unavailable or do not agree on the potential impact of this missense change (SIFT: "Deleterious"; PolyPhen-2: "Probably Damaging"; Align-GVGD: "Class C0"). This variant has not been reported in the literature in individuals affected with PLCG2-related conditions. This variant is present in population databases (rs775303395, gnomAD 0.0009%).

NM_002661.5(PLCG2):c.153G>C (p.Gln51His)

Gene: PLCG2 (phospholipase C gamma 2; plus strand). Cytogenetic location: 16q23.3.
Variant type: single nucleotide variant.
Coding change: c.153G>C on transcript NM_002661.5 (MANE Select); coding-DNA position 153, G replaced by C.
Protein change: p.Gln51His; replaces glutamine 51 with histidine.
Molecular consequence: missense variant.
Genome position (GRCh38, 1-based): chr16:81,786,142, G>C. VCF-style: chr16-81786142-G-C. GRCh37 (hg19) VCF-style: chr16-81819747-G-C.
Other names: short protein forms Q51H.
Identifiers: ClinVar variation 2086758 (VCV002086758.4), dbSNP rs775303395, ClinGen allele CA8193046.
Genomic context (GRCh38, chr16:81,786,142, plus strand): 5'-CAGCTTCCGCAAGTCCACCCCCGAGCGGAGAACCGTCCAGGTGATCATGGAGACGCGGCA[G>C]GTGGCCTGGAGCAAGACCGCTGACAAGATCGAGGGCTTCTGTGAGTACTCGCTGGGTGGG-3'
Protein context (NP_002652.2, residues 41-61): RTVQVIMETR[Gln51His]VAWSKTADKI